The following is an entry in ClinVar:

NM_000027.4(AGA):c.187dup (p.Met63fs)

Gene: AGA (aspartylglucosaminidase; minus strand). Cytogenetic location: 4q34.3.
Variant type: Duplication.
Coding change: c.187dup on transcript NM_000027.4 (MANE Select); coding-DNA position 187, one base duplicated (A; older notation c.187dupA).
Protein change: p.Met63fs; shifts the reading frame from methionine 63.
Molecular consequence: frameshift variant. On other transcripts: non-coding transcript variant (1).
Genome position (GRCh38, 1-based): chr4:177,440,367, T duplicated on the plus strand (A on the coding strand, the reverse complement: AGA is on the minus strand). VCF-style (leftmost placement, unchanged base first): chr4-177440366-A-AT. GRCh37 (hg19) VCF-style: chr4-178361520-A-AT.
Other names: c.187dup, p.Met63fs (NM_001171988.2); short protein forms M63fs.
Identifiers: ClinVar variation 1351725 (VCV001351725.7), dbSNP rs2111021738, ClinGen allele CA2573138206.

ClinVar aggregate classification (germline): Pathogenic. Review status: criteria provided, multiple submitters, no conflicts (2 of 4 stars). 2 submissions from 2 submitters: Pathogenic (2). Last evaluated 2025-06-20.

Conditions:
Aspartylglucosaminuria (AGU). Also called: AGA DEFICIENCY; GLYCOASPARAGINASE; GLYCOSYLASPARAGINASE DEFICIENCY; Aspartylglucos-aminuria; Aspartylglucos-amidase (AGA) deficiency. Identifiers: Orphanet 93, MedGen C0268225, MONDO:0008830, OMIM 208400, HP:0012068.

Submissions (2):

Myriad Genetics, Inc.
Classification: Pathogenic for Aspartylglucosaminuria. Last evaluated: 2025-06-20. Review status: criteria provided, single submitter. Criteria: Myriad Autosomal Dominant, Autosomal Recessive and X-Linked Classification Criteria (2023). Collection method: clinical testing. Allele origin: unknown.
Comment: NM_000027.3(AGA):c.187dupA(M63Nfs*3) is a frameshift variant classified as pathogenic in the context of aspartylglucosaminuria. M63Nfs*3 has not been observed in cases with relevant disease. Relevant functional assessments of this variant are not available in the literature. M63Nfs*3 has not been observed in referenced population frequency databases. In summary, NM_000027.3(AGA):c.187dupA(M63Nfs*3) is a frameshift variant in a gene where loss of function is a known mechanism of disease and is predicted to disrupt protein function. Please note: this variant was assessed in the context of healthy population screening.

Labcorp Genetics (formerly Invitae), Labcorp
Classification: Pathogenic for Aspartylglucosaminuria. Last evaluated: 2020-12-24. Review status: criteria provided, single submitter. Criteria: Invitae Variant Classification Sherloc (09022015). Collection method: clinical testing. Allele origin: germline.
Comment: This variant is not present in population databases (ExAC no frequency). For these reasons, this variant has been classified as Pathogenic. This variant has not been reported in the literature in individuals with AGA-related conditions. This sequence change creates a premature translational stop signal (p.Met63Asnfs*3) in the AGA gene. It is expected to result in an absent or disrupted protein product. Loss-of-function variants in AGA are known to be pathogenic (PMID: 7627186, 11309371).

Literature cited by the submitters: PubMed 7627186 (cited by Labcorp Genetics (formerly Invitae), Labcorp); PubMed 11309371 (cited by Labcorp Genetics (formerly Invitae), Labcorp).